The following is an entry in ClinVar:

ClinVar aggregate classification (germline): Likely benign. Review status: reviewed by expert panel (3 of 4 stars). 3 submissions from 3 submitters: Likely benign (1). 2 of the submissions do not count toward it. Last evaluated 2024-07-11.

Conditions:
Hereditary thrombocytopenia and hematologic cancer predisposition syndrome. Identifiers: Orphanet 71290, MedGen CN281654, MONDO:0011071.
Inborn genetic diseases. Identifiers: MedGen C0950123, MeSH D030342.

Submissions (3):

ClinGen Myeloid Malignancy Variant Curation Expert Panel
Classification: Likely benign for Hereditary thrombocytopenia and hematologic cancer predisposition syndrome. Last evaluated: 2024-07-11. Review status: reviewed by expert panel. Criteria: ClinGen MyeloMalig ACMG Specifications v2. Collection method: curation. Allele origin: germline. Inheritance: Autosomal dominant inheritance.
Comment: NM_001754.5(RUNX1):c.1437C>T (p.Pro479=) is a synonymous variant that has a SpliceAI Δ score ≤ 0.20 (0.00) (BP4). Evolutionary conservation algorithms predict the site as not being conserved (PhyloP score -0.256331 < 2.0), and the variant is the reference nucleotide in one primate (BP7). This variant is completely absent from all population databases with at least 20x coverage for RUNX1 (PM2_supporting). In summary, this variant meets criteria to be classified as likely benign. ACMG/AMP criteria applied, as specified by the Myeloid Malignancy Variant Curation Expert Panel for RUNX1: BP4, BP7, PM2_supporting.

Ambry Genetics
Classification: Likely benign for Inborn genetic diseases. Last evaluated: 2025-11-08. Review status: criteria provided, single submitter. Criteria: Ambry Variant Classification Scheme 2023. Collection method: clinical testing. Allele origin: germline. Not counted in ClinVar's aggregate classification.

Labcorp Genetics (formerly Invitae), Labcorp
Classification: Likely benign. Last evaluated: 2018-05-20. Review status: criteria provided, single submitter. Criteria: Invitae Variant Classification Sherloc (09022015). Collection method: clinical testing. Allele origin: germline. Not counted in ClinVar's aggregate classification.

NM_001754.5(RUNX1):c.1437C>T (p.Pro479=)

Gene: RUNX1 (RUNX family transcription factor 1; minus strand). Cytogenetic location: 21q22.12.
Variant type: single nucleotide variant.
Coding change: c.1437C>T on transcript NM_001754.5 (MANE Select); coding-DNA position 1437, C replaced by T.
Protein change: p.Pro479=; no amino-acid change (proline 479 retained).
Molecular consequence: synonymous variant.
Genome position (GRCh38, 1-based): chr21:34,792,141, G>A on the plus strand (C>T on the coding strand, the complement: RUNX1 is on the minus strand). VCF-style: chr21-34792141-G-A. GRCh37 (hg19) VCF-style: chr21-36164438-G-A.
Other names: NM_001754.5(RUNX1):c.1437C>T; p.Pro479=; c.1356C>T, p.Pro452= (NM_001001890.3).
Identifiers: ClinVar variation 760384 (VCV000760384.5), dbSNP rs1601331827, ClinGen allele CA512232100.